The following is an entry in ClinVar:

NM_000330.4(RS1):c.576C>T (p.Pro192=)

Genes: CDKL5 (cyclin dependent kinase like 5; plus strand), RS1 (retinoschisin 1; minus strand). Cytogenetic location: Xp22.13.
Variant type: single nucleotide variant.
Coding change: c.576C>T on transcript NM_000330.4 (MANE Select); coding-DNA position 576, C replaced by T.
Protein change: p.Pro192=; no amino-acid change (proline 192 retained).
Molecular consequence: synonymous variant. On other transcripts: intron variant (2).
Genome position (GRCh38, 1-based): chrX:18,642,103, G>A on the plus strand (C>T on the coding strand, the complement: RS1 is on the minus strand). VCF-style: chrX-18642103-G-A. GRCh37 (hg19) VCF-style: chrX-18660223-G-A.
Other names: NM_000330.4(RS1):c.576C>T; p.Pro192=; c.2714-3904G>A (NM_003159.3, NM_001037343.2).
Identifiers: ClinVar variation 255840 (VCV000255840.15), dbSNP rs186334493, ClinGen allele CA10360603.
Genomic context (GRCh38, chrX:18,642,103, plus strand): 5'-GATGGCAATGCGGACGTGCCAGCCCAGCGGGATGAGGCGGATGAAGCGGGAGATGATGGG[G>A]GGCCGCAGCAGGTTCTGAACCGTGGAGGTGCGGTCCGAGTTGCCATAGAAGACCTAGAGA-3'
Protein context (NP_000321.1, residues 182-202): RTSTVQNLLR[Pro192=]PIISRFIRLI

ClinVar aggregate classification (germline): Benign. Review status: reviewed by expert panel (3 of 4 stars). 4 submissions from 4 submitters: Benign (1). 3 of the submissions do not count toward it. Last evaluated 2025-05-19.

Conditions:
Juvenile retinoschisis (RS1). Also called: X-linked retinoschisis; X-Linked Juvenile Retinoschisis. Identifiers: Orphanet 792, MedGen C3714753, MONDO:0010725, OMIM 312700.

Allele frequency attached by ClinVar (database versions not stated): gnomAD 0.00035 and 0.00025; TOPMed 0.00062; ExAC 0.00078; 1000 Genomes Project 30x 0.00125; 1000 Genomes Project 0.00132.
gnomAD v4.1: 445 of 1,209,861 alleles (0.037%); highest among the groups gnomAD compares: East Asian, 0.76%; 2 homozygotes.

Submissions (4):

ClinGen X-linked Inherited Retinal Disease Variant Curation Expert Panel, ClinGen
Classification: Benign for Juvenile retinoschisis. Last evaluated: 2025-05-19. Review status: reviewed by expert panel. Criteria: ClinGen X LinkedIRD ACMG Specifications RS1 V1.0.0. Collection method: curation. Allele origin: germline. Inheritance: X-linked inheritance.
Comment: The NM_000330.4(RS1):c.576C>T variant is a synonymous variant at codon 192. This variant is present in gnomAD v.4.1.0 at a frequency of 0.0003976 among hemizygous individuals, with 158 variant alleles / 397377 total alleles, which is higher than the ClinGen X-linked IRD VCEP BA1 threshold of >0.0002 (BA1). The splicing impact predictor SpliceAI gives a delta score of 0.00 for all delta-type changes, which is below the ClinGen X-linked IRD VCEP recommended threshold of <0.1 and does not strongly predict an impact on splicing (BP4). This silent variant causing a synonymous variant at codon 192 does not have an impact at splicing sites according to Splice AI, which predicts a delta score of 0.00 for all delta-type changes which is below the ClinGen X-linked IRD VCEP recommended threshold of <0.1 and does not strongly predict an impact on splicing (BP7). In summary, this variant is classified as benign for X-linked retinoschisis based on the ClinGen X-linked Inherited Retinal Disease Expert Panel Specifications to the ACMG/AMP Variant Interpretation Guidelines for RS1 Version 1.0.0: BA1, BP4, and BP7 (date of approval 01/24/2025).

Labcorp Genetics (formerly Invitae), Labcorp
Classification: Benign. Last evaluated: 2026-01-28. Review status: criteria provided, single submitter. Criteria: Invitae Variant Classification Sherloc (09022015). Collection method: clinical testing. Allele origin: germline. Not counted in ClinVar's aggregate classification.

Blueprint Genetics
Classification: Likely benign. Last evaluated: 2024-07-25. Review status: criteria provided, single submitter. Criteria: ACMG Guidelines, 2015. Collection method: clinical testing. Allele origin: germline. Not counted in ClinVar's aggregate classification.

PreventionGenetics, part of Exact Sciences
Classification: Likely benign. Review status: criteria provided, single submitter. Criteria: ACMG Guidelines, 2015. Collection method: clinical testing. Allele origin: germline. Not counted in ClinVar's aggregate classification.